The following is an entry in ClinVar:

ClinVar aggregate classification (germline): Uncertain significance (1 of 4 stars; one submission).

Conditions:
Ehlers-Danlos syndrome, type 4 (EDSVASC). Also called: Ehlers-Danlos Syndrome Type IV; Ehlers-Danlos syndrome vascular type; Ehlers Danlos syndrome, ecchymotic type; Ehlers Danlos syndrome, arterial type; Ehlers Danlos syndrome, Sack-Barabas type. Identifiers: Orphanet 286, MedGen C0268338, MONDO:0017314, OMIM 130050.

Submission:

All of Us Research Program, National Institutes of Health
Classification: Uncertain significance for Ehlers-Danlos syndrome, type 4. Last evaluated: 2023-08-15. Review status: criteria provided, single submitter. Criteria: ACMG Guidelines, 2015. Collection method: clinical testing. Allele origin: germline. Inheritance: Autosomal dominant inheritance. Observed: 1 variant allele, 1 heterozygote.
Comment: This study involves interpretation of variants in research participants for the purpose of population health screening. Participant phenotype was not available at the time of variant classification. Additional details can be found in publication PMID: 35346344, PMCID: PMC8962531

NM_000090.4(COL3A1):c.178G>C (p.Val60Leu)

Gene: COL3A1 (collagen type III alpha 1 chain; plus strand). Cytogenetic location: 2q32.2.
Variant type: single nucleotide variant.
Coding change: c.178G>C on transcript NM_000090.4 (MANE Select); coding-DNA position 178, G replaced by C.
Protein change: p.Val60Leu; replaces valine 60 with leucine.
Molecular consequence: missense variant.
Genome position (GRCh38, 1-based): chr2:188,984,858, G>C. VCF-style: chr2-188984858-G-C. GRCh37 (hg19) VCF-style: chr2-189849584-G-C.
Other names: short protein forms V60L.
Identifiers: ClinVar variation 3072291 (VCV003072291.1), dbSNP rs762028131, ClinGen allele CA349847111.